The following is an entry in ClinVar:

NM_000051.4(ATM):c.2490T>G (p.Phe830Leu)

Gene: ATM (ATM serine/threonine kinase; plus strand). Cytogenetic location: 11q22.3.
Variant type: single nucleotide variant.
Coding change: c.2490T>G on transcript NM_000051.4 (MANE Select); coding-DNA position 2490, T replaced by G.
Protein change: p.Phe830Leu; replaces phenylalanine 830 with leucine.
Molecular consequence: missense variant.
Genome position (GRCh38, 1-based): chr11:108,267,194, T>G. VCF-style: chr11-108267194-T-G. GRCh37 (hg19) VCF-style: chr11-108137921-T-G.
Other names: c.2490T>G, p.Phe830Leu (NM_001351834.2); short protein forms F830L.
Identifiers: ClinVar variation 1792074 (VCV001792074.2), dbSNP rs2135505617, ClinGen allele CA382543240.
Genomic context (GRCh38, chr11:108,267,194, plus strand): 5'-AAGCCATCTTGAACATCTTTGTTTCTCTTCCTTGAAGGCATCCTTCATCAAAAAGCCATT[T>G]GACCGTGGAGAAGTAGAATCAATGGAAGATGATACTAATGGAAATCTAATGGAGGTGGAG-3'
Protein context (NP_000042.3, residues 820-840): KSLASFIKKP[Phe830Leu]DRGEVESMED

ClinVar aggregate classification (germline): Uncertain significance (1 of 4 stars; one submission).

Conditions:
Hereditary cancer-predisposing syndrome. Also called: Hereditary Cancer Syndrome; Hereditary neoplastic syndrome; Tumor predisposition; Neoplastic Syndromes, Hereditary. Identifiers: Orphanet 140162, MedGen C0027672, MeSH D009386, MONDO:0015356.

Submission:

Ambry Genetics
Classification: Uncertain significance for Hereditary cancer-predisposing syndrome. Last evaluated: 2020-11-10. Review status: criteria provided, single submitter. Criteria: Ambry Variant Classification Scheme 2023. Collection method: clinical testing. Allele origin: germline.
Comment: The p.F830L variant (also known as c.2490T>G), located in coding exon 16 of the ATM gene, results from a T to G substitution at nucleotide position 2490. The phenylalanine at codon 830 is replaced by leucine, an amino acid with highly similar properties. This amino acid position is not well conserved in available vertebrate species. In addition, this alteration is predicted to be tolerated by in silico analysis. Since supporting evidence is limited at this time, the clinical significance of this alteration remains unclear.